The following is an entry in ClinVar:

ClinVar aggregate classification (germline): Pathogenic. Review status: criteria provided, multiple submitters, no conflicts (2 of 4 stars). 2 submissions from 2 submitters: Pathogenic (2). Last evaluated 2021-07-26.

Conditions:
Duchenne muscular dystrophy (DMD). Also called: MUSCULAR DYSTROPHY, PSEUDOHYPERTROPHIC PROGRESSIVE, DUCHENNE TYPE; Duchenne Muscular Dystrophy (DMD). Identifiers: Orphanet 98896, MedGen C0013264, MONDO:0010679, OMIM 310200.

Submissions (2):

Labcorp Genetics (formerly Invitae), Labcorp
Classification: Pathogenic for Duchenne muscular dystrophy. Last evaluated: 2021-07-26. Review status: criteria provided, single submitter. Criteria: Invitae Variant Classification Sherloc (09022015). Collection method: clinical testing. Allele origin: germline.
Comment: This sequence change creates a premature translational stop signal (p.Tyr1146*) in the DMD gene. It is expected to result in an absent or disrupted protein product. Loss-of-function variants in DMD are known to be pathogenic (PMID: 16770791, 25007885). For these reasons, this variant has been classified as Pathogenic. This variant has not been reported in the literature in individuals affected with DMD-related conditions. This variant is not present in population databases (ExAC no frequency).

Revvity Omics, Revvity
Classification: Pathogenic. Last evaluated: 2020-07-09. Review status: criteria provided, single submitter. Criteria: ACMG Guidelines, 2015. Collection method: clinical testing. Allele origin: germline.

Literature cited by the submitters: PubMed 16770791 (cited by Labcorp Genetics (formerly Invitae), Labcorp); PubMed 25007885 (cited by Labcorp Genetics (formerly Invitae), Labcorp).

NM_004006.3(DMD):c.3438del (p.Val1145_Tyr1146insTer)

Gene: DMD (dystrophin; minus strand). Cytogenetic location: Xp21.1.
Variant type: Deletion.
Coding change: c.3438del on transcript NM_004006.3 (MANE Select); coding-DNA position 3438, one base deleted (T; older notation c.3438delT).
Protein change: p.Val1145_Tyr1146insTer.
Molecular consequence: nonsense.
Genome position (GRCh38, 1-based): chrX:32,454,827, A deleted on the plus strand (T on the coding strand, the reverse complement: DMD is on the minus strand). VCF-style (leftmost placement, unchanged base first): chrX-32454826-CA-C. GRCh37 (hg19) VCF-style: chrX-32472943-CA-C.
Other names: c.3414del, p.Val1137_Tyr1138insTer (NM_000109.4); c.3426del, p.Val1141_Tyr1142insTer (NM_004009.3); c.3069del, p.Val1022_Tyr1023insTer (NM_004010.3).
Identifiers: ClinVar variation 1322434 (VCV001322434.9), dbSNP rs2148349819, ClinGen allele CA2573055278.